The following is an entry in ClinVar:

ClinVar aggregate classification (germline): Conflicting classifications of pathogenicity. Review status: criteria provided, conflicting classifications (1 of 4 stars). 9 submissions from 9 submitters: Uncertain significance (7); Likely benign (2). Last evaluated 2025-12-24.

Conditions:
Classic or attenuated familial adenomatous polyposis. Identifiers: MedGen CN372698, MONDO:0021057.
Hereditary cancer-predisposing syndrome. Also called: Neoplastic Syndromes, Hereditary; Hereditary neoplastic syndrome; Hereditary Cancer Syndrome; Tumor predisposition. Identifiers: Orphanet 140162, MedGen C0027672, MeSH D009386, MONDO:0015356.
Familial adenomatous polyposis 1 (FAP1). Also called: POLYPOSIS, ADENOMATOUS INTESTINAL; FAMILIAL ADENOMATOUS POLYPOSIS 1, ATTENUATED. Identifiers: MedGen C2713442, MONDO:0021056, OMIM 175100. Disease mechanism: loss of function.
Hereditary cancer. Identifiers: MedGen C1333600.

Allele frequency attached by ClinVar (database versions not stated): gnomAD exomes below 0.00001; TOPMed 0.00001; gnomAD 0.00002.

Submissions (9):

Labcorp Genetics (formerly Invitae), Labcorp
Classification: Uncertain significance for Familial adenomatous polyposis 1. Last evaluated: 2025-12-24. Review status: criteria provided, single submitter. Criteria: Invitae Variant Classification Sherloc (09022015). Collection method: clinical testing. Allele origin: germline.
Comment: This sequence change replaces valine, which is neutral and non-polar, with leucine, which is neutral and non-polar, at codon 2499 of the APC protein (p.Val2499Leu). This variant is present in population databases (rs33941929, gnomAD 0.0009%). This missense change has been observed in individual(s) with breast cancer (PMID: 35534704). ClinVar contains an entry for this variant (Variation ID: 230961). Invitae Evidence Modeling of protein sequence and biophysical properties (such as structural, functional, and spatial information, amino acid conservation, physicochemical variation, residue mobility, and thermodynamic stability) indicates that this missense variant is not expected to disrupt APC protein function with a negative predictive value of 95%. In summary, the available evidence is currently insufficient to determine the role of this variant in disease. Therefore, it has been classified as a Variant of Uncertain Significance.

Color Diagnostics, LLC DBA Color Health
Classification: Likely benign for Hereditary cancer-predisposing syndrome. Last evaluated: 2024-09-23. Review status: criteria provided, single submitter. Criteria: ACMG Guidelines, 2015. Collection method: clinical testing. Allele origin: germline.

All of Us Research Program, National Institutes of Health
Classification: Uncertain significance for Classic or attenuated familial adenomatous polyposis. Last evaluated: 2024-03-05. Review status: criteria provided, single submitter. Criteria: ACMG Guidelines, 2015. Collection method: clinical testing. Allele origin: germline. Inheritance: Autosomal dominant inheritance. Observed: 4 variant alleles, 4 heterozygotes.
Comment: This missense variant replaces valine with leucine at codon 2499 of the APC protein. Computational prediction is inconclusive regarding the impact of this variant on protein structure and function (internally defined REVEL score threshold 0.5 < inconclusive < 0.7, PMID: 27666373). To our knowledge, functional studies have not been reported for this variant. This variant has been reported in individuals affected with breast cancer (DOI: 10.1101/2021.04.15.21255554). This variant has been identified in 1/246014 chromosomes in the general population by the Genome Aggregation Database (gnomAD). The available evidence is insufficient to determine the role of this variant in disease conclusively. Therefore, this variant is classified as a Variant of Uncertain Significance.

This study involves interpretation of variants in research participants for the purpose of population health screening. Participant phenotype was not available at the time of variant classification. Additional details can be found in publication PMID: 35346344, PMCID: PMC8962531

Ambry Genetics
Classification: Uncertain significance for Hereditary cancer-predisposing syndrome. Last evaluated: 2024-02-24. Review status: criteria provided, single submitter. Criteria: Ambry Variant Classification Scheme 2023. Collection method: clinical testing. Allele origin: germline.
Comment: The p.V2499L variant (also known as c.7495G>C), located in coding exon 15 of the APC gene, results from a G to C substitution at nucleotide position 7495. The valine at codon 2499 is replaced by leucine, an amino acid with highly similar properties. This amino acid position is poorly conserved in available vertebrate species. In addition, in silico predictors for this gene do not accurately predict pathogenicity. Since supporting evidence is limited at this time, the clinical significance of this alteration remains unclear.

Mendelics
Classification: Likely benign for Hereditary cancer. Last evaluated: 2024-01-23. Review status: criteria provided, single submitter. Criteria: ACMG Guidelines, 2015. Collection method: clinical testing. Allele origin: unknown.

Baylor Genetics
Classification: Uncertain significance for Familial adenomatous polyposis 1. Last evaluated: 2023-12-17. Review status: criteria provided, single submitter. Criteria: ACMG Guidelines, 2015. Collection method: clinical testing. Allele origin: unknown.

GeneDx
Classification: Uncertain significance. Last evaluated: 2023-02-13. Review status: criteria provided, single submitter. Criteria: GeneDx Variant Classification Process June 2021. Collection method: clinical testing. Allele origin: germline. Affected: yes.
Comment: Not observed in large population cohorts (gnomAD); In silico analysis supports that this missense variant does not alter protein structure/function; Has not been previously published as pathogenic or benign to our knowledge

Quest Diagnostics Nichols Institute San Juan Capistrano
Classification: Uncertain significance. Last evaluated: 2023-02-10. Review status: criteria provided, single submitter. Criteria: Quest Diagnostics criteria. Collection method: clinical testing. Allele origin: unknown.
Comment: The frequency of this variant in the general population, 0.00002 (3/152152 chromosomes), is uninformative in assessment of its pathogenicity. In the published literature, the variant has been reported as a variant unlikely to have functional significance (PMID: 21153778 (2010)). Analysis of this variant using bioinformatics tools for the prediction of the effect of amino acid changes on protein structure and function yielded predictions that this variant is benign. Based on the available information, we are unable to determine the clinical significance of this variant.

Blueprint Genetics
Classification: Uncertain significance. Last evaluated: 2021-11-17. Review status: criteria provided, single submitter. Criteria: ACMG Guidelines, 2015. Collection method: clinical testing. Allele origin: germline.

Literature cited by the submitters: PubMed 35534704 (cited by Labcorp Genetics (formerly Invitae), Labcorp); PubMed 21153778 (cited by Quest Diagnostics Nichols Institute San Juan Capistrano).

NM_000038.6(APC):c.7495G>C (p.Val2499Leu)

Gene: APC (APC regulator of Wnt signaling pathway; plus strand). Cytogenetic location: 5q22.2.
Variant type: single nucleotide variant.
Coding change: c.7495G>C on transcript NM_000038.6 (MANE Select); coding-DNA position 7495, G replaced by C.
Protein change: p.Val2499Leu; replaces valine 2499 with leucine.
Molecular consequence: missense variant.
Genome position (GRCh38, 1-based): chr5:112,843,089, G>C. VCF-style: chr5-112843089-G-C. GRCh37 (hg19) VCF-style: chr5-112178786-G-C.
Other names: c.7495G>C, p.Val2499Leu (NM_001127510.3, NM_001354895.2); c.7441G>C, p.Val2481Leu (NM_001127511.3); c.7549G>C, p.Val2517Leu (NM_001354896.2); c.7525G>C, p.Val2509Leu (NM_001354897.2); c.7420G>C, p.Val2474Leu (NM_001354898.2); c.7411G>C, p.Val2471Leu (NM_001354899.2); c.7372G>C, p.Val2458Leu (NM_001354900.2); c.7318G>C, p.Val2440Leu (NM_001354901.2); and 5 more; short protein forms V2481L, V2499L, V2339L, V2373L, V2440L, V2458L, V2474L, V2509L.
Identifiers: ClinVar variation 230961 (VCV000230961.29), dbSNP rs33941929, ClinGen allele CA10578444.